The following is an entry in ClinVar:

ClinVar aggregate classification (germline): Conflicting classifications of pathogenicity. Review status: criteria provided, conflicting classifications (1 of 4 stars). 11 submissions from 11 submitters: Uncertain significance (1); Benign (6); Likely benign (1). 3 of the submissions do not count toward it. Last evaluated 2026-09-01.

Conditions:
HSPD1-related disorder. Also called: HSPD1-related condition.
Spastic paraplegia. Identifiers: MedGen C0037772, HP:0001258.
Hereditary spastic paraplegia. Also called: Familial spastic paraparesis. Identifiers: Orphanet 685, MedGen C0037773, MONDO:0019064. Disease mechanism: loss of function.
Hereditary spastic paraplegia 13 (SPG13). Also called: SPASTIC PARAPLEGIA 13, AUTOSOMAL DOMINANT; Spastic paraplegia 13. Identifiers: Orphanet 100994, MedGen C1854467, MONDO:0011532, OMIM 605280.

Allele frequency attached by ClinVar (database versions not stated): 1000 Genomes Project 30x 0.00187; 1000 Genomes Project 0.00200; TOPMed 0.00455; ExAC 0.00480; gnomAD 0.00481; gnomAD exomes 0.00488; ESP Exome Variant Server 0.00515.
gnomAD v4.1: 10,484 of 1,614,142 alleles (0.65%); highest among the groups gnomAD compares: South Asian, 0.81%; 52 homozygotes.

Submissions (11):

CeGaT Center for Human Genetics Tuebingen
Classification: Likely benign. Last evaluated: 2026-09-01. Review status: criteria provided, single submitter. Criteria: CeGaT Center For Human Genetics Tuebingen Variant Classification Criteria Version 2. Collection method: clinical testing. Allele origin: germline. Affected: yes. Observed: 34 variant alleles.
Comment: HSPD1: BP4, BP7, BS2

Labcorp Genetics (formerly Invitae), Labcorp
Classification: Benign for Spastic paraplegia. Last evaluated: 2026-01-26. Review status: criteria provided, single submitter. Criteria: Invitae Variant Classification Sherloc (09022015). Collection method: clinical testing. Allele origin: germline.

Athena Diagnostics
Classification: Benign. Last evaluated: 2024-03-12. Review status: criteria provided, single submitter. Criteria: Athena Diagnostics Criteria. Collection method: clinical testing. Allele origin: unknown.

Mayo Clinic Laboratories, Mayo Clinic
Classification: Benign. Last evaluated: 2022-08-19. Review status: criteria provided, single submitter. Criteria: ACMG Guidelines, 2015. Collection method: clinical testing. Allele origin: germline. Observed: 35 variant alleles.

Genome Diagnostics Laboratory, The Hospital for Sick Children
Classification: Benign for Hereditary spastic paraplegia. Last evaluated: 2021-04-09. Review status: criteria provided, single submitter. Criteria: ACMG Guidelines, 2015. Collection method: clinical testing. Allele origin: germline. Affected: yes.

Illumina Laboratory Services, Illumina
Classification: Benign for Hereditary spastic paraplegia 13. Last evaluated: 2018-01-13. Review status: criteria provided, single submitter. Criteria: ICSL Variant Classification Criteria 13 December 2019. Collection method: clinical testing. Allele origin: germline.
Comment: This variant was observed in the ICSL laboratory as part of a predisposition screen in an ostensibly healthy population. It had not been previously curated by ICSL or reported in the Human Gene Mutation Database (HGMD: prior to June 1st, 2018), and was therefore a candidate for classification through an automated scoring system. Utilizing variant allele frequency, disease prevalence and penetrance estimates, and inheritance mode, an automated score was calculated to assess if this variant is too frequent to cause the disease. Based on the score and internal cut-off values, a variant classified as benign is not then subjected to further curation. The score for this variant resulted in a classification of benign for this disease.

GeneDx
Classification: Benign. Last evaluated: 2014-04-28. Review status: criteria provided, single submitter. Criteria: GeneDx Variant Classification (06012015). Collection method: clinical testing. Allele origin: germline. Affected: yes.
Comment: This variant is considered likely benign or benign based on one or more of the following criteria: it is a conservative change, it occurs at a poorly conserved position in the protein, it is predicted to be benign by multiple in silico algorithms, and/or has population frequency not consistent with disease.

Genetic Services Laboratory, University of Chicago
Classification: Uncertain significance. Last evaluated: 2014-03-06. Review status: criteria provided, single submitter. Criteria: ACMG Guidelines, 2007. Collection method: clinical testing. Allele origin: germline.

PreventionGenetics, part of Exact Sciences
Classification: Benign for HSPD1-related condition. Last evaluated: 2019-05-03. Review status: no assertion criteria provided. Collection method: clinical testing. Allele origin: germline. Not counted in ClinVar's aggregate classification.
Comment: This variant is classified as benign based on ACMG/AMP sequence variant interpretation guidelines (Richards et al. 2015 PMID: 25741868, with internal and published modifications).

Clinical Genetics DNA and cytogenetics Diagnostics Lab, Erasmus MC, Erasmus Medical Center
Classification: Likely benign. Review status: no assertion criteria provided. Collection method: clinical testing. Allele origin: germline. Affected: yes. Study: VKGL Data-share Consensus. Not counted in ClinVar's aggregate classification.

Joint Genome Diagnostic Labs from Nijmegen and Maastricht, Radboudumc and MUMC+
Classification: Benign. Review status: no assertion criteria provided. Collection method: clinical testing. Allele origin: germline. Affected: yes. Study: VKGL Data-share Consensus. Not counted in ClinVar's aggregate classification.

Literature cited by the submitters: PubMed 22552817 (cited by Athena Diagnostics).

NM_002156.5(HSPD1):c.27C>G (p.Arg9=)

Gene: HSPD1 (heat shock protein family D (Hsp60) member 1; minus strand). Cytogenetic location: 2q33.1.
Variant type: single nucleotide variant.
Coding change: c.27C>G on transcript NM_002156.5 (MANE Select); coding-DNA position 27, C replaced by G.
Protein change: p.Arg9=; no amino-acid change (arginine 9 retained).
Molecular consequence: synonymous variant.
Genome position (GRCh38, 1-based): chr2:197,498,822, G>C on the plus strand (C>G on the coding strand, the complement: HSPD1 is on the minus strand). VCF-style: chr2-197498822-G-C. GRCh37 (hg19) VCF-style: chr2-198363546-G-C.
Other names: p.R9R:CGC>CGG; p.Arg9=; c.27C>G, p.Arg9= (NM_199440.2).
Identifiers: ClinVar variation 129242 (VCV000129242.59), dbSNP rs11551349, ClinGen allele CA231170.